The following is an entry in ClinVar:

NM_001111.5(ADAR):c.3004A>C (p.Thr1002Pro)

Gene: ADAR (adenosine deaminase RNA specific; minus strand). Cytogenetic location: 1q21.3.
Variant type: single nucleotide variant.
Coding change: c.3004A>C on transcript NM_001111.5 (MANE Select); coding-DNA position 3004, A replaced by C.
Protein change: p.Thr1002Pro; replaces threonine 1002 with proline.
Molecular consequence: missense variant.
Genome position (GRCh38, 1-based): chr1:154,588,140, T>G on the plus strand (A>C on the coding strand, the complement: ADAR is on the minus strand). VCF-style: chr1-154588140-T-G. GRCh37 (hg19) VCF-style: chr1-154560616-T-G.
Other names: c.2119A>C, p.Thr707Pro (NM_001365047.1, NM_001365048.1, NM_001025107.3 and 2 more transcripts); c.2041A>C, p.Thr681Pro (NM_001365049.1); c.2926A>C, p.Thr976Pro (NM_015840.4); c.2869A>C, p.Thr957Pro (NM_015841.4); c.3031A>C, p.Thr1011Pro (NM_001365045.1); short protein forms T1002P, T1011P, T681P, T707P, T957P, T976P.
Identifiers: ClinVar variation 1314253 (VCV001314253.2), dbSNP rs749167389, ClinGen allele CA342635952.

ClinVar aggregate classification (germline): Uncertain significance (1 of 4 stars; one submission).

Submission:

GeneDx
Classification: Uncertain significance. Last evaluated: 2021-03-30. Review status: criteria provided, single submitter. Criteria: GeneDx Variant Classification Process June 2021. Collection method: clinical testing. Allele origin: germline. Affected: yes.
Comment: Not observed in large population cohorts (Lek et al., 2016); In silico analysis supports that this missense variant has a deleterious effect on protein structure/function; Has not been previously published as pathogenic or benign to our knowledge